The following is an entry in ClinVar:

NM_006734.4(HIVEP2):c.3917C>T (p.Thr1306Ile)

Gene: HIVEP2 (HIVEP zinc finger 2; minus strand). Cytogenetic location: 6q24.2.
Variant type: single nucleotide variant.
Coding change: c.3917C>T on transcript NM_006734.4 (MANE Select); coding-DNA position 3917, C replaced by T.
Protein change: p.Thr1306Ile; replaces threonine 1306 with isoleucine.
Molecular consequence: missense variant.
Genome position (GRCh38, 1-based): chr6:142,770,822, G>A on the plus strand (C>T on the coding strand, the complement: HIVEP2 is on the minus strand). VCF-style: chr6-142770822-G-A. GRCh37 (hg19) VCF-style: chr6-143091959-G-A.
Other names: short protein forms T1306I.
Identifiers: ClinVar variation 3343479 (VCV003343479.1).

ClinVar aggregate classification (germline): Uncertain significance (1 of 4 stars; one submission).

gnomAD v4.1: 3 of 1,614,110 alleles (0.00019%); highest among the groups gnomAD compares: Non-Finnish European, 0.00025%; no homozygotes.

Submission:

GeneDx
Classification: Uncertain significance. Last evaluated: 2023-05-20. Review status: criteria provided, single submitter. Criteria: GeneDx Variant Classification Process June 2021. Collection method: clinical testing. Allele origin: germline. Affected: yes.
Comment: Not observed at significant frequency in large population cohorts (gnomAD); In silico analysis supports that this missense variant does not alter protein structure/function; Has not been previously published as pathogenic or benign to our knowledge